The following is an entry in ClinVar:

NC_000015.9:g.(44861704_44862722)_(44867240_44876011)del

Gene: SPG11 (SPG11 vesicle trafficking associated, spatacsin; minus strand). Cytogenetic location: 15q21.1.
Variant type: Deletion.
Identifiers: ClinVar variation 1878316 (VCV001878316.1).

ClinVar aggregate classification (germline): Pathogenic (1 of 4 stars; one submission).

Conditions:
Hereditary spastic paraplegia. Also called: Familial spastic paraparesis. Identifiers: Orphanet 685, MedGen C0037773, MONDO:0019064. Disease mechanism: loss of function.

Submission:

Women's Health and Genetics/Laboratory Corporation of America, LabCorp
Classification: Pathogenic for Hereditary spastic paraplegia. Last evaluated: 2022-12-15. Review status: criteria provided, single submitter. Criteria: LabCorp Variant Classification Summary - May 2015. Collection method: clinical testing. Allele origin: germline.
Comment: Variant summary: The variant identified by MLPA or other technology involves the deletion of exons 31-34 in the SPG11 gene. A presumed nomenclature of c.(5866+1_5867-1)_(6477+1_6478-1)del has been designated for the purposes of this classification. Although exact breakpoints of this deletion are not known, it is expected to result in a frameshift in the SPG11 gene, a known mechanism of disease. The variant allele was found at a frequency of 4.6e-05 in 21694 control chromosomes (gnomAD, structural variants dataset). c.(5866+1_5867-1)_(6477+1_6478-1)del has been reported in the literature as a biallelic genotype in multiple individuals affected with Hereditary Spastic Paraplegia (e.g. Denora_2009, Conceicao Pereira_2012, Yoon_2013). These data indicate that the variant is very likely to be associated with disease. One clinical diagnostic laboratory has submitted a clinical-significance assessment for this variant to ClinVar after 2014 and classified the variant as pathogenic. Based on the evidence outlined above, the variant was classified as pathogenic.

Literature cited by the submitters: PubMed 23733235; PubMed 22237444; PubMed 19105190.